The following is an entry in ClinVar:

ClinVar aggregate classification (germline): Likely pathogenic (1 of 4 stars; one submission).

gnomAD v4.1: 1 of 1,613,056 alleles (0.000062%); highest among the groups gnomAD compares: African/African-American, 0.0013%; no homozygotes.

Submission:

GeneDx
Classification: Likely pathogenic. Last evaluated: 2024-05-29. Review status: criteria provided, single submitter. Criteria: GeneDx Variant Classification Process June 2021. Collection method: clinical testing. Allele origin: germline. Affected: yes.
Comment: Canonical splice site variant predicted to result in an in-frame loss of the adjacent exon in a gene for which loss of function is a known mechanism of disease; Not observed at significant frequency in large population cohorts (gnomAD); Identified in an individual with ataxia who harbored a second pathogenic SPG7 variant (PMID: 30098094); This variant is associated with the following publications: (PMID: 30098094)

NM_003119.4(SPG7):c.287-1G>C

Gene: SPG7 (SPG7 matrix AAA peptidase subunit, paraplegin; plus strand). Cytogenetic location: 16q24.3.
Variant type: single nucleotide variant.
Coding change: c.287-1G>C on transcript NM_003119.4 (MANE Select); the canonical splice acceptor site of the intron before coding-DNA position 287, G replaced by C.
Molecular consequence: splice acceptor variant.
Genome position (GRCh38, 1-based): chr16:89,512,947, G>C. VCF-style: chr16-89512947-G-C. GRCh37 (hg19) VCF-style: chr16-89579355-G-C.
Other names: c.287-1G>C (NM_001363850.1, NM_199367.3).
Identifiers: ClinVar variation 3384354 (VCV003384354.1).